The following is an entry in ClinVar:

NM_000059.4(BRCA2):c.3446T>C (p.Met1149Thr)

Gene: BRCA2 (BRCA2 DNA repair associated; plus strand). Cytogenetic location: 13q13.1.
Variant type: single nucleotide variant.
Coding change: c.3446T>C on transcript NM_000059.4 (MANE Select); coding-DNA position 3446, T replaced by C.
Protein change: p.Met1149Thr; replaces methionine 1149 with threonine.
Molecular consequence: missense variant.
Genome position (GRCh38, 1-based): chr13:32,337,801, T>C. VCF-style: chr13-32337801-T-C. GRCh37 (hg19) VCF-style: chr13-32911938-T-C.
Other names: short protein forms M1149T.
Identifiers: ClinVar variation 126012 (VCV000126012.47), dbSNP rs80358590, ClinGen allele CA018041.
Genomic context (GRCh38, chr13:32,337,801, plus strand): 5'-AGTTTAGAAAACCAAGCTACATATTGCAGAAGAGTACATTTGAAGTGCCTGAAAACCAGA[T>C]GACTATCTTAAAGACCACTTCTGAGGAATGCAGAGATGCTGATCTTCATGTCATAATGAA-3'
Protein context (NP_000050.3, residues 1139-1159): KSTFEVPENQ[Met1149Thr]TILKTTSEEC

ClinVar aggregate classification (germline): Conflicting classifications of pathogenicity. Review status: criteria provided, conflicting classifications (1 of 4 stars). 11 submissions from 11 submitters: Uncertain significance (5); Likely benign (3). 3 of the submissions do not count toward it. Last evaluated 2025-11-27.

Conditions:
Hereditary cancer-predisposing syndrome. Also called: Tumor predisposition; Hereditary neoplastic syndrome; Neoplastic Syndromes, Hereditary; Hereditary Cancer Syndrome. Identifiers: Orphanet 140162, MedGen C0027672, MeSH D009386, MONDO:0015356.
Hereditary breast ovarian cancer syndrome. Also called: Hereditary breast and ovarian cancer syndrome (HBOC); Hereditary breast and ovarian cancer; Hereditary breast and ovarian cancer syndrome; Breast and ovarian cancer; Hereditary breast and/or ovarian cancer syndrome; BRCA1- and BRCA2-Associated Hereditary Breast and Ovarian Cancer. Identifiers: Orphanet 145, MedGen C0677776, MeSH D061325, MONDO:0003582. Disease mechanism: loss of function.
Breast-ovarian cancer, familial, susceptibility to, 2 (BROVCA2). Also called: BRCA2 Hereditary Breast and Ovarian Cancer. Identifiers: Orphanet 145, MedGen C2675520, MONDO:0012933, OMIM 612555. Disease mechanism: loss of function.

Allele frequency attached by ClinVar (database versions not stated): TOPMed below 0.00001.

Submissions (11):

Labcorp Genetics (formerly Invitae), Labcorp
Classification: Uncertain significance for Hereditary breast ovarian cancer syndrome. Last evaluated: 2025-11-27. Review status: criteria provided, single submitter. Criteria: Invitae Variant Classification Sherloc (09022015). Collection method: clinical testing. Allele origin: germline.
Comment: This sequence change replaces methionine, which is neutral and non-polar, with threonine, which is neutral and polar, at codon 1149 of the BRCA2 protein (p.Met1149Thr). This variant is not present in population databases (gnomAD no frequency). This missense change has been observed in individual(s) with clinical features of BRCA2-related conditions (PMID: 10923033). ClinVar contains an entry for this variant (Variation ID: 126012). Invitae Evidence Modeling of protein sequence and biophysical properties (such as structural, functional, and spatial information, amino acid conservation, physicochemical variation, residue mobility, and thermodynamic stability) indicates that this missense variant is not expected to disrupt BRCA2 protein function with a negative predictive value of 95%. In summary, the available evidence is currently insufficient to determine the role of this variant in disease. Therefore, it has been classified as a Variant of Uncertain Significance.

Color Diagnostics, LLC DBA Color Health
Classification: Likely benign for Hereditary cancer-predisposing syndrome. Last evaluated: 2024-12-17. Review status: criteria provided, single submitter. Criteria: ACMG Guidelines, 2015. Collection method: clinical testing. Allele origin: germline.

All of Us Research Program, National Institutes of Health
Classification: Uncertain significance for Breast-ovarian cancer, familial, susceptibility to, 2. Last evaluated: 2023-07-19. Review status: criteria provided, single submitter. Criteria: ACMG Guidelines, 2015. Collection method: clinical testing. Allele origin: germline. Inheritance: Autosomal dominant inheritance. Observed: 1 variant allele, 1 heterozygote.
Comment: This missense variant replaces methionine with threonine at codon 1149 of the BRCA2 protein. Computational prediction suggests that this variant may not impact protein structure and function (internally defined REVEL score threshold <= 0.5, PMID: 27666373). Splice site prediction tools suggest that this variant may not impact RNA splicing. To our knowledge, functional studies have not been performed for this variant. This variant has not been reported in individuals affected with hereditary cancer in the literature. This variant has not been identified in the general population by the Genome Aggregation Database (gnomAD). The available evidence is insufficient to determine the role of this variant in disease conclusively. Therefore, this variant is classified as a Variant of Uncertain Significance.

This study involves interpretation of variants in research participants for the purpose of population health screening. Participant phenotype was not available at the time of variant classification. Additional details can be found in publication PMID: 35346344, PMCID: PMC8962531

GeneDx
Classification: Uncertain significance. Last evaluated: 2023-05-23. Review status: criteria provided, single submitter. Criteria: GeneDx Variant Classification Process June 2021. Collection method: clinical testing. Allele origin: germline. Affected: yes.
Comment: Not observed at significant frequency in large population cohorts (gnomAD); In silico analysis supports that this missense variant has a deleterious effect on protein structure/function; Also known as 3674T>C; This variant is associated with the following publications: (PMID: 31853058, 31911673, 10923033, 29884841, 28525389, 32377563)

CeGaT Center for Human Genetics Tuebingen
Classification: Uncertain significance. Last evaluated: 2023-05-01. Review status: criteria provided, single submitter. Criteria: CeGaT Center For Human Genetics Tuebingen Variant Classification Criteria Version 2. Collection method: clinical testing. Allele origin: germline. Affected: yes. Observed: 1 variant allele.
Comment: BRCA2: PM2, BP4

University of Washington Department of Laboratory Medicine, University of Washington
Classification: Likely benign for Hereditary cancer-predisposing syndrome. Last evaluated: 2023-03-23. Review status: criteria provided, single submitter. Criteria: Dines et al. (Genet Med. 2020). Collection method: curation. Allele origin: germline.
Comment: Missense variant in a coldspot region where missense variants are very unlikely to be pathogenic (PMID:31911673).

BRCA2 exon 11 coldspot. Reclassification based on statistical prior probability.

Ambry Genetics
Classification: Likely benign for Hereditary cancer-predisposing syndrome. Last evaluated: 2021-12-29. Review status: criteria provided, single submitter. Criteria: Ambry Variant Classification Scheme 2023. Collection method: clinical testing. Allele origin: germline.

Sema4
Classification: Uncertain significance for Hereditary cancer-predisposing syndrome. Last evaluated: 2021-05-28. Review status: criteria provided, single submitter. Criteria: Sema4 Curation Guidelines. Collection method: curation. Allele origin: germline.
Comment: The BRCA2 c.3446T>C (p.M1149T) variant has been reported in at least one individual with ovarian cancer who also carried a frameshift mutation in BRCA1 (PMID: 28525389). It was not observed in the large and broad cohorts of the Genome Aggregation Database (PMID: 32461654). The variant has been reported in ClinVar (Variation ID 126012). In silico tools suggest the impact of the variant on protein function is inconclusive though these predictions have not been confirmed by functional studies. The evidence is insufficient to meet ACMG/AMP criteria for classifying the variant as benign or pathogenic. Thus, the clinical significance of this variant is currently uncertain.

Zotz-Klimas Genetics Lab, MVZ Zotz Klimas
Classification: Uncertain significance for Breast-ovarian cancer, familial, susceptibility to, 2. Last evaluated: 2023-10-30. Review status: no assertion criteria provided. Collection method: clinical testing. Allele origin: germline. Affected: yes. Not counted in ClinVar's aggregate classification.

Counsyl
Classification: Uncertain significance for Breast-ovarian cancer, familial, susceptibility to, 2. Last evaluated: 2018-05-30. Review status: no assertion criteria provided. Collection method: clinical testing. Allele origin: unknown. Not counted in ClinVar's aggregate classification.

Breast Cancer Information Core (BIC) (BRCA2)
Classification: Uncertain significance for Breast-ovarian cancer, familial 2. Last evaluated: 1998-11-30. Review status: no assertion criteria provided. Collection method: clinical testing. Allele origin: germline. Affected: yes. Observed: 1 variant allele. Not counted in ClinVar's aggregate classification.

Literature cited by the submitters: PubMed 10923033 (cited by Labcorp Genetics (formerly Invitae), Labcorp); PubMed 28525389 (cited by 3 submitters).